The following is an entry in ClinVar:

ClinVar aggregate classification (germline): Uncertain significance. Review status: criteria provided, multiple submitters, no conflicts (2 of 4 stars). 2 submissions from 2 submitters: Uncertain significance (2). Last evaluated 2024-10-06.

Conditions:
Inborn genetic diseases. Identifiers: MedGen C0950123, MeSH D030342.
Stickler syndrome, type I, nonsyndromic ocular. Also called: STICKLER SYNDROME, TYPE I, PREDOMINANTLY OCULAR; STICKLER SYNDROME, ATYPICAL. Identifiers: MedGen C1836080, MONDO:0012287, OMIM 609508.

gnomAD v4.1: 1 of 1,551,680 alleles (0.000064%); highest among the groups gnomAD compares: Non-Finnish European, 0.000087%; no homozygotes.

Submissions (2):

Ambry Genetics
Classification: Uncertain significance for Inborn genetic diseases. Last evaluated: 2024-10-06. Review status: criteria provided, single submitter. Criteria: Ambry Variant Classification Scheme 2023. Collection method: clinical testing. Allele origin: germline.

MVZ Medizinische Genetik Mainz
Classification: Uncertain significance for Stickler syndrome, type I, nonsyndromic ocular. Last evaluated: 2024-07-22. Review status: criteria provided, single submitter. Criteria: UK Practice Guidelines For Variant Classification V4 01 2020. Collection method: clinical testing. Allele origin: germline. Inheritance: Autosomal dominant inheritance. Affected: yes. Observed: 1 variant allele.
Comment: ACMG Criteria: PP3_MOD,PM2_SUP,PP2

NM_001844.5(COL2A1):c.1553C>G (p.Pro518Arg)

Gene: COL2A1 (collagen type II alpha 1 chain; minus strand). Cytogenetic location: 12q13.11.
Variant type: single nucleotide variant.
Coding change: c.1553C>G on transcript NM_001844.5 (MANE Select); coding-DNA position 1553, C replaced by G.
Protein change: p.Pro518Arg; replaces proline 518 with arginine.
Molecular consequence: missense variant.
Genome position (GRCh38, 1-based): chr12:47,985,940, G>C on the plus strand (C>G on the coding strand, the complement: COL2A1 is on the minus strand). VCF-style: chr12-47985940-G-C. GRCh37 (hg19) VCF-style: chr12-48379723-G-C.
Other names: c.1346C>G, p.Pro449Arg (NM_033150.3); c.1553C>G (NM_001844.4); short protein forms P449R, P518R.
Identifiers: ClinVar variation 3338400 (VCV003338400.2).